The following is an entry in ClinVar:

ClinVar aggregate classification (germline): Uncertain significance (1 of 4 stars; one submission).

Conditions:
MGAM-related disorder. Also called: MGAM-related condition.

Allele frequency attached by ClinVar (database versions not stated): ExAC 0.00010; TOPMed 0.00014; gnomAD 0.00016; gnomAD exomes 0.00024.
gnomAD v4.1: 370 of 1,613,688 alleles (0.023%); highest among the groups gnomAD compares: Non-Finnish European, 0.03%; 1 homozygote.

Submission:

PreventionGenetics, part of Exact Sciences
Classification: Uncertain significance for MGAM-related condition. Last evaluated: 2022-10-07. Review status: criteria provided, single submitter. Criteria: ACMG Guidelines, 2015. Collection method: clinical testing. Allele origin: germline.
Comment: The MGAM c.3132C>G variant is predicted to result in premature protein termination (p.Tyr1044*). To our knowledge, this variant has not been reported in the literature. This variant is reported in 0.023% of alleles in individuals of European (Non-Finnish) descent in gnomAD. At this time, the clinical significance of this variant is uncertain due to the absence of conclusive functional and genetic evidence.

NM_001365693.1(MGAM):c.3132C>G (p.Tyr1044Ter)

Gene: MGAM (maltase-glucoamylase; plus strand). Cytogenetic location: 7q34.
Variant type: single nucleotide variant.
Coding change: c.3132C>G on transcript NM_001365693.1 (MANE Select); coding-DNA position 3132, C replaced by G.
Protein change: p.Tyr1044Ter; replaces tyrosine 1044 with a stop codon.
Molecular consequence: nonsense.
Genome position (GRCh38, 1-based): chr7:142,052,957, C>G. VCF-style: chr7-142052957-C-G. GRCh37 (hg19) VCF-style: chr7-141752757-C-G.
Other names: c.3132C>G, p.Tyr1044Ter (NM_004668.3); short protein forms Y1044*.
Identifiers: ClinVar variation 2634085 (VCV002634085.1), dbSNP rs752471950, ClinGen allele CA168117204.